The following is an entry in ClinVar:

NM_006922.4(SCN3A):c.1859G>C (p.Arg620Pro)

Gene: SCN3A (sodium voltage-gated channel alpha subunit 3; minus strand). Cytogenetic location: 2q24.3.
Variant type: single nucleotide variant.
Coding change: c.1859G>C on transcript NM_006922.4 (MANE Select); coding-DNA position 1859, G replaced by C.
Protein change: p.Arg620Pro; replaces arginine 620 with proline.
Molecular consequence: missense variant.
Genome position (GRCh38, 1-based): chr2:165,140,811, C>G on the plus strand (G>C on the coding strand, the complement: SCN3A is on the minus strand). VCF-style: chr2-165140811-C-G. GRCh37 (hg19) VCF-style: chr2-165997321-C-G.
Other names: c.1859G>C, p.Arg620Pro (NM_001081676.2, NM_001081677.2); short protein forms R620P.
Identifiers: ClinVar variation 1947183 (VCV001947183.5), dbSNP rs369720053, ClinGen allele CA1939072.

ClinVar aggregate classification (germline): Uncertain significance (1 of 4 stars; one submission).

Allele frequency attached by ClinVar (database versions not stated): ExAC 0.00001; TOPMed 0.00001; ESP Exome Variant Server 0.00008.
gnomAD v4.1: 1 of 1,614,126 alleles (0.000062%); highest among the groups gnomAD compares: African/African-American, 0.0013%; no homozygotes.

Submission:

Labcorp Genetics (formerly Invitae), Labcorp
Classification: Uncertain significance. Last evaluated: 2024-08-20. Review status: criteria provided, single submitter. Criteria: Invitae Variant Classification Sherloc (09022015). Collection method: clinical testing. Allele origin: germline.
Comment: This sequence change replaces arginine, which is basic and polar, with proline, which is neutral and non-polar, at codon 620 of the SCN3A protein (p.Arg620Pro). This variant is present in population databases (rs369720053, gnomAD 0.007%). This variant has not been reported in the literature in individuals affected with SCN3A-related conditions. ClinVar contains an entry for this variant (Variation ID: 1947183). Invitae Evidence Modeling of protein sequence and biophysical properties (such as structural, functional, and spatial information, amino acid conservation, physicochemical variation, residue mobility, and thermodynamic stability) indicates that this missense variant is not expected to disrupt SCN3A protein function with a negative predictive value of 80%. In summary, the available evidence is currently insufficient to determine the role of this variant in disease. Therefore, it has been classified as a Variant of Uncertain Significance.